The following is an entry in ClinVar:

NM_001177316.2(SLC34A3):c.1304del (p.Ser435fs)

Gene: SLC34A3 (solute carrier family 34 member 3; plus strand). Cytogenetic location: 9q34.3.
Variant type: Deletion.
Coding change: c.1304del on transcript NM_001177316.2 (MANE Select); coding-DNA position 1304, one base deleted (G; older notation c.1304delG).
Protein change: p.Ser435fs; shifts the reading frame from serine 435.
Molecular consequence: frameshift variant.
Genome position (GRCh38, 1-based): chr9:137,234,700, G deleted. VCF-style (leftmost placement, unchanged base first): chr9-137234699-AG-A. GRCh37 (hg19) VCF-style: chr9-140129151-AG-A.
Other names: c.1304del, p.Ser435fs (NM_001177317.2, NM_080877.3); c.1304delG (NM_080877.3); short protein forms S435fs.
Identifiers: ClinVar variation 1031579 (VCV001031579.20), dbSNP rs771816857, ClinGen allele CA5364888.

ClinVar aggregate classification (germline): Conflicting classifications of pathogenicity. Review status: criteria provided, conflicting classifications (1 of 4 stars). 11 submissions from 11 submitters: Pathogenic (6); Likely pathogenic (3); Uncertain significance (1). 1 of the submissions does not count toward it. Last evaluated 2025-05-07.

Conditions:
Autosomal recessive hypophosphatemic bone disease (HHRH). Also called: Hypophosphatemic rickets with hypercalciuria; HYPERCALCIURIC RICKETS. Identifiers: Orphanet 157215, MedGen C1853271, MONDO:0009431, OMIM 241530.
SLC34A3-related disorder. Also called: SLC34A3-related condition.

Allele frequency attached by ClinVar (database versions not stated): TOPMed 0.00005; gnomAD exomes 0.00014 and 0.00024; gnomAD 0.00019 and 0.00021; ExAC 0.00040.

Submissions (11):

Labcorp Genetics (formerly Invitae), Labcorp
Classification: Pathogenic. Last evaluated: 2025-05-07. Review status: criteria provided, single submitter. Criteria: Invitae Variant Classification Sherloc (09022015). Collection method: clinical testing. Allele origin: germline.
Comment: This sequence change creates a premature translational stop signal (p.Ser435Thrfs*46) in the SLC34A3 gene. While this is not anticipated to result in nonsense mediated decay, it is expected to disrupt the last 165 amino acid(s) of the SLC34A3 protein. This variant is present in population databases (rs771816857, gnomAD 0.1%). This premature translational stop signal has been observed in individual(s) with hypophosphatemic rickets with hypercalciuria (PMID: 24176905). ClinVar contains an entry for this variant (Variation ID: 1031579). Algorithms developed to predict the effect of sequence changes on RNA splicing suggest that this variant may disrupt the consensus splice site. This variant disrupts a region of the SLC34A3 protein in which other variant(s) (p.Trp541*) have been determined to be pathogenic (PMID: 31440709). This suggests that this is a clinically significant region of the protein, and that variants that disrupt it are likely to be disease-causing. For these reasons, this variant has been classified as Pathogenic.

GeneDx
Classification: Uncertain significance. Last evaluated: 2025-04-14. Review status: criteria provided, single submitter. Criteria: GeneDx Variant Classification Process June 2021. Collection method: clinical testing. Allele origin: germline. Affected: yes.
Comment: Frameshift variant predicted to result in abnormal protein length as the last 165 amino acid(s) are replaced with 45 different amino acid(s), and other similar variants have been reported in HGMD; This variant is associated with the following publications: (PMID: 24176905)

First Genomix Gene Laboratory, Genetic Diagnostics Department
Classification: Pathogenic for Autosomal recessive hypophosphatemic bone disease. Last evaluated: 2025-03-25. Review status: criteria provided, single submitter. Criteria: ACMG Guidelines, 2015. Collection method: clinical testing. Allele origin: germline. Inheritance: Autosomal recessive inheritance. Affected: no. Observed: 1 variant allele.

Laboratory of Genetics, Children's Clinical University Hospital Latvia
Classification: Pathogenic. Last evaluated: 2025-02-16. Review status: criteria provided, single submitter. Criteria: ACMG Guidelines, 2015. Collection method: clinical testing. Allele origin: germline. Affected: yes.

Institute of Human Genetics, University of Leipzig Medical Center
Classification: Likely pathogenic for Autosomal recessive hypophosphatemic bone disease. Last evaluated: 2024-12-17. Review status: criteria provided, single submitter. Criteria: ACMG Guidelines, 2015. Collection method: clinical testing. Allele origin: unknown. Inheritance: Autosomal recessive inheritance. Affected: yes.
Comment: Criteria applied: PVS1_STR,PM2_SUP,PM3_SUP

Blueprint Genetics
Classification: Pathogenic for SLC34A3-related disorders. Last evaluated: 2024-10-17. Review status: criteria provided, single submitter. Criteria: ACMG Guidelines, 2015. Collection method: clinical testing. Allele origin: germline. Affected: yes. Observed: 5 variant alleles.

Department of Pathology and Laboratory Medicine, Sinai Health System
Classification: Likely pathogenic for Autosomal recessive hypophosphatemic bone disease. Last evaluated: 2022-09-15. Review status: criteria provided, single submitter. Criteria: ACMG Guidelines, 2015. Collection method: research. Allele origin: germline.

Clinical Genetics Laboratory, Skane University Hospital Lund
Classification: Pathogenic. Last evaluated: 2022-07-13. Review status: criteria provided, single submitter. Criteria: ACMG Guidelines, 2015. Collection method: clinical testing. Allele origin: germline. Affected: yes.

MGZ Medical Genetics Center
Classification: Likely pathogenic for Autosomal recessive hypophosphatemic bone disease. Last evaluated: 2022-02-08. Review status: criteria provided, single submitter. Criteria: ACMG Guidelines, 2015. Collection method: clinical testing. Allele origin: germline. Affected: yes. Observed: 1 variant allele.
Comment: ACMG criteria applied: PVS1_STR, PS4_MOD, PM2_SUP, PM3_SUP

Fulgent Genetics
Classification: Pathogenic for Autosomal recessive hypophosphatemic bone disease. Last evaluated: 2022-02-03. Review status: criteria provided, single submitter. Criteria: ACMG Guidelines, 2015. Collection method: clinical testing. Allele origin: unknown.

PreventionGenetics, part of Exact Sciences
Classification: Pathogenic for SLC34A3-related condition. Last evaluated: 2024-04-18. Review status: no assertion criteria provided. Collection method: clinical testing. Allele origin: germline. Not counted in ClinVar's aggregate classification.
Comment: The SLC34A3 c.1304delG variant is predicted to result in a frameshift and premature protein termination (p.Ser435Thrfs*46). This variant has been reported in the compound heterozygous state in a patient with nephrolithiasis and increased urinary excretion of calcium without bone deformity or history of fractures (Ichikawa et al. 2014. PubMed ID: 24176905). This variant is reported in 0.082% of alleles in individuals of European (Finnish) descent in gnomAD. Frameshift variants in SLC34A3 are expected to be pathogenic. Given the evidence, we interpret c.1304del (p.Ser435Thrfs*46) as pathogenic.

Literature cited by the submitters: PubMed 24176905 (cited by Labcorp Genetics (formerly Invitae), Labcorp); PubMed 31440709 (cited by Labcorp Genetics (formerly Invitae), Labcorp).